The following is an entry in ClinVar:

NM_000381.4(MID1):c.1783A>T (p.Ile595Phe)

Genes: MID1 (midline 1; minus strand), LOC126863207 (BRD4-independent group 4 enhancer GRCh37_chrX:10416979-10418178; plus strand). Cytogenetic location: Xp22.2.
Variant type: single nucleotide variant.
Coding change: c.1783A>T on transcript NM_000381.4 (MANE Select); coding-DNA position 1783, A replaced by T.
Protein change: p.Ile595Phe; replaces isoleucine 595 with phenylalanine.
Molecular consequence: missense variant.
Genome position (GRCh38, 1-based): chrX:10,449,589, T>A on the plus strand (A>T on the coding strand, the complement: MID1 is on the minus strand). VCF-style: chrX-10449589-T-A. GRCh37 (hg19) VCF-style: chrX-10417629-T-A.
Other names: c.1783A>T, p.Ile595Phe (NM_001098624.2, NM_001193277.1, NM_001347733.2 and 1 more transcripts); c.1669A>T, p.Ile557Phe (NM_033289.2); short protein forms I595F, I557F.
Identifiers: ClinVar variation 3665460 (VCV003665460.2).

ClinVar aggregate classification (germline): Uncertain significance (1 of 4 stars; one submission).

Submission:

Labcorp Genetics (formerly Invitae), Labcorp
Classification: Uncertain significance. Last evaluated: 2025-01-18. Review status: criteria provided, single submitter. Criteria: Invitae Variant Classification Sherloc (09022015). Collection method: clinical testing. Allele origin: germline.
Comment: This sequence change replaces isoleucine, which is neutral and non-polar, with phenylalanine, which is neutral and non-polar, at codon 595 of the MID1 protein (p.Ile595Phe). This variant is not present in population databases (gnomAD no frequency). This variant has not been reported in the literature in individuals affected with MID1-related conditions. Invitae Evidence Modeling of protein sequence and biophysical properties (such as structural, functional, and spatial information, amino acid conservation, physicochemical variation, residue mobility, and thermodynamic stability) indicates that this missense variant is not expected to disrupt MID1 protein function with a negative predictive value of 80%. In summary, the available evidence is currently insufficient to determine the role of this variant in disease. Therefore, it has been classified as a Variant of Uncertain Significance.